The following is an entry in ClinVar:

ClinVar aggregate classification (germline): Uncertain significance. Review status: criteria provided, multiple submitters, no conflicts (2 of 4 stars). 2 submissions from 2 submitters: Uncertain significance (2). Last evaluated 2025-08-20.

Conditions:
Inborn genetic diseases. Identifiers: MedGen C0950123, MeSH D030342.

gnomAD v4.1: 3 of 1,596,502 alleles (0.00019%); highest among the groups gnomAD compares: South Asian, 0.0034%; no homozygotes.

Submissions (2):

Labcorp Genetics (formerly Invitae), Labcorp
Classification: Uncertain significance. Last evaluated: 2025-08-20. Review status: criteria provided, single submitter. Criteria: Invitae Variant Classification Sherloc (09022015). Collection method: clinical testing. Allele origin: germline.
Comment: This sequence change replaces glycine, which is neutral and non-polar, with glutamic acid, which is acidic and polar, at codon 660 of the SLC26A1 protein (p.Gly660Glu). The frequency data for this variant in the population databases is considered unreliable, as metrics indicate poor data quality at this position in the gnomAD database. This variant has not been reported in the literature in individuals affected with SLC26A1-related conditions. ClinVar contains an entry for this variant (Variation ID: 3319279). Invitae Evidence Modeling of protein sequence and biophysical properties (such as structural, functional, and spatial information, amino acid conservation, physicochemical variation, residue mobility, and thermodynamic stability) indicates that this missense variant is expected to disrupt SLC26A1 protein function with a positive predictive value of 80%. In summary, the available evidence is currently insufficient to determine the role of this variant in disease. Therefore, it has been classified as a Variant of Uncertain Significance.

Ambry Genetics
Classification: Uncertain significance for Inborn genetic diseases. Last evaluated: 2024-06-19. Review status: criteria provided, single submitter. Criteria: Ambry Variant Classification Scheme 2023. Collection method: clinical testing. Allele origin: germline.

NM_022042.4(SLC26A1):c.1979G>A (p.Gly660Glu)

Genes: IDUA (alpha-L-iduronidase; plus strand), SLC26A1 (solute carrier family 26 member 1; minus strand). Cytogenetic location: 4p16.3.
Variant type: single nucleotide variant.
Coding change: c.1979G>A on transcript NM_022042.4 (MANE Select); coding-DNA position 1979, G replaced by A.
Protein change: p.Gly660Glu; replaces glycine 660 with glutamic acid.
Molecular consequence: missense variant. On other transcripts: intron variant (2).
Genome position (GRCh38, 1-based): chr4:988,960, C>T on the plus strand (G>A on the coding strand, the complement: SLC26A1 is on the minus strand). VCF-style: chr4-988960-C-T. GRCh37 (hg19) VCF-style: chr4-982748-C-T.
Other names: c.1979G>A, p.Gly660Glu (NM_213613.4); c.576+2168G>A (NM_134425.4); c.299+1011C>T (NM_000203.5); short protein forms G660E.
Identifiers: ClinVar variation 3319279 (VCV003319279.2).